The following is an entry in ClinVar:

ClinVar aggregate classification (germline): Uncertain significance (1 of 4 stars; one submission).

Conditions:
Familial hemophagocytic lymphohistiocytosis 5. Also called: STXBP2-Related Familial Hemophagocytic Lymphohistiocytosis (STXBP2-fHLH). Identifiers: Orphanet 540, MedGen C2751293, MONDO:0013135, OMIM 613101.

Submission:

Labcorp Genetics (formerly Invitae), Labcorp
Classification: Uncertain significance for Familial hemophagocytic lymphohistiocytosis 5. Last evaluated: 2022-08-23. Review status: criteria provided, single submitter. Criteria: Invitae Variant Classification Sherloc (09022015). Collection method: clinical testing. Allele origin: germline.
Comment: This variant has not been reported in the literature in individuals affected with STXBP2-related conditions. This sequence change replaces glutamic acid, which is acidic and polar, with lysine, which is basic and polar, at codon 260 of the STXBP2 protein (p.Glu260Lys). This variant is not present in population databases (gnomAD no frequency). ClinVar contains an entry for this variant (Variation ID: 1021487). Algorithms developed to predict the effect of missense changes on protein structure and function (SIFT, PolyPhen-2, Align-GVGD) all suggest that this variant is likely to be tolerated. In summary, the available evidence is currently insufficient to determine the role of this variant in disease. Therefore, it has been classified as a Variant of Uncertain Significance.

NM_006949.4(STXBP2):c.778G>A (p.Glu260Lys)

Gene: STXBP2 (syntaxin binding protein 2; plus strand). Cytogenetic location: 19p13.2.
Variant type: single nucleotide variant.
Coding change: c.778G>A on transcript NM_006949.4 (MANE Select); coding-DNA position 778, G replaced by A.
Protein change: p.Glu260Lys; replaces glutamic acid 260 with lysine.
Molecular consequence: missense variant. On other transcripts: non-coding transcript variant (1).
Genome position (GRCh38, 1-based): chr19:7,642,317, G>A. VCF-style: chr19-7642317-G-A. GRCh37 (hg19) VCF-style: chr19-7707203-G-A.
Other names: c.769G>A, p.Glu257Lys (NM_001127396.3); c.811G>A, p.Glu271Lys (NM_001272034.2); short protein forms E257K, E260K, E271K.
Identifiers: ClinVar variation 1021487 (VCV001021487.9), dbSNP rs1279733096, ClinGen allele CA403158940.
Genomic context (GRCh38, chr19:7,642,317, plus strand): 5'-GTGTCCCCACTACTGCATGAGCTCACGTTCCAGGCCATGGCGTATGATCTGCTGGACATA[G>A]AGCAGGACACATACAGGTCTGCAGACTTGGAACCCGTCCCCACCCTTGCCACTGACCTGG-3'
Protein context (NP_008880.2, residues 250-270): QAMAYDLLDI[Glu260Lys]QDTYRYETTG